The following is an entry in ClinVar:

ClinVar aggregate classification (germline): Benign (1 of 4 stars; one submission).

gnomAD v4.1: 18,287 of 1,586,810 alleles (1.2%); highest among the groups gnomAD compares: East Asian, 3.5%; 216 homozygotes.

Submission:

Mayo Clinic Laboratories, Mayo Clinic
Classification: Benign. Last evaluated: 2024-11-18. Review status: criteria provided, single submitter. Criteria: ACMG Guidelines, 2015. Collection method: clinical testing. Allele origin: germline. Observed: 3 variant alleles.
Comment: BS1, BS2, BP4, BP7

NM_001063.4(TF):c.43+26G>T

Gene: TF (transferrin; plus strand). Cytogenetic location: 3q22.1.
Variant type: single nucleotide variant.
Coding change: c.43+26G>T on transcript NM_001063.4 (MANE Select); 26 bases into the intron after coding-DNA position 43, G replaced by T.
Molecular consequence: intron variant.
Genome position (GRCh38, 1-based): chr3:133,746,509, G>T. VCF-style: chr3-133746509-G-T. GRCh37 (hg19) VCF-style: chr3-133465353-G-T.
Other names: p.?; c.-89-1903G>T (NM_001354703.2); c.-166+26G>T (NM_001354704.2).
Identifiers: ClinVar variation 4684724 (VCV004684724.1).
Genomic context (GRCh38, chr3:133,746,509, plus strand): 5'-CGCCGTGGGAGCCCTGCTGGTCTGCGCCGTCCTGGGTGAGTGCGGGCACGGGGTAGCACC[G>T]CAGAGTCGCTGGCCCGCGCGTTCCCTGCAACCCGGGCGGCCACCGCGCAGCCTGCATGCA-3'